The following is an entry in ClinVar:

ClinVar aggregate classification (germline): Pathogenic (1 of 4 stars; one submission).

Conditions:
Early-infantile DEE. Also called: Ohtahara syndrome; Early infantile epileptic encephalopathy with suppression bursts; Early infantile epileptic encephalopathy. Identifiers: Orphanet 1934, MedGen C0393706, MONDO:0800491.

Allele frequency attached by ClinVar (database versions not stated): gnomAD exomes below 0.00001.
gnomAD v4.1: 1 of 1,613,962 alleles (0.000062%); highest among the groups gnomAD compares: Non-Finnish European, 0.000085%; no homozygotes.

Submission:

Labcorp Genetics (formerly Invitae), Labcorp
Classification: Pathogenic for Early-infantile DEE. Last evaluated: 2023-06-20. Review status: criteria provided, single submitter. Criteria: Invitae Variant Classification Sherloc (09022015). Collection method: clinical testing. Allele origin: germline.
Comment: This sequence change replaces alanine, which is neutral and non-polar, with serine, which is neutral and polar, at codon 1118 of the SCN1A protein (p.Ala1118Ser). This variant is not present in population databases (gnomAD no frequency). This missense change has been observed in individual(s) with febrile seizures (Invitae). In at least one individual the variant was observed to be de novo. Advanced modeling of protein sequence and biophysical properties (such as structural, functional, and spatial information, amino acid conservation, physicochemical variation, residue mobility, and thermodynamic stability) performed at Invitae indicates that this missense variant is expected to disrupt SCN1A protein function. For these reasons, this variant has been classified as Pathogenic.

NM_001165963.4(SCN1A):c.3352G>T (p.Ala1118Ser)

Genes: SCN1A (sodium voltage-gated channel alpha subunit 1; minus strand), LOC102724058 (uncharacterized LOC102724058; plus strand). Cytogenetic location: 2q24.3.
Variant type: single nucleotide variant.
Coding change: c.3352G>T on transcript NM_001165963.4 (MANE Select); coding-DNA position 3352, G replaced by T.
Protein change: p.Ala1118Ser; replaces alanine 1118 with serine.
Molecular consequence: missense variant. On other transcripts: non-coding transcript variant (2).
Genome position (GRCh38, 1-based): chr2:166,036,125, C>A on the plus strand (G>T on the coding strand, the complement: SCN1A is on the minus strand). VCF-style: chr2-166036125-C-A. GRCh37 (hg19) VCF-style: chr2-166892635-C-A.
Other names: c.3268G>T, p.Ala1090Ser (NM_001165964.3, NM_001353957.2, NM_001353958.2); c.3352G>T, p.Ala1118Ser (NM_001202435.3, NM_001353948.2); c.3319G>T, p.Ala1107Ser (NM_001353949.2, NM_001353950.2, NM_001353951.2 and 2 more transcripts); c.3316G>T, p.Ala1106Ser (NM_001353954.2, NM_001353955.2); c.3265G>T, p.Ala1089Ser (NM_001353960.2); c.910G>T, p.Ala304Ser (NM_001353961.2); short protein forms A304S, A1089S, A1090S, A1118S, A1106S, A1107S.
Identifiers: ClinVar variation 2859956 (VCV002859956.3), dbSNP rs2468075442, ClinGen allele CA349059242.